The following is an entry in ClinVar:

NM_000153.4(GALC):c.1420A>T (p.Lys474Ter)

Gene: GALC (galactosylceramidase; minus strand). Cytogenetic location: 14q31.3.
Variant type: single nucleotide variant.
Coding change: c.1420A>T on transcript NM_000153.4 (MANE Select); coding-DNA position 1420, A replaced by T.
Protein change: p.Lys474Ter; replaces lysine 474 with a stop codon.
Molecular consequence: nonsense.
Genome position (GRCh38, 1-based): chr14:87,947,797, T>A on the plus strand (A>T on the coding strand, the complement: GALC is on the minus strand). VCF-style: chr14-87947797-T-A. GRCh37 (hg19) VCF-style: chr14-88414141-T-A.
Other names: c.1351A>T, p.Lys451Ter (NM_001201401.2); c.1342A>T, p.Lys448Ter (NM_001201402.2); short protein forms K448*, K451*, K474*.
Identifiers: ClinVar variation 1726453 (VCV001726453.2), dbSNP rs2503362968, ClinGen allele CA390746518.
Genomic context (GRCh38, chr14:87,947,797, plus strand): 5'-AATCATCCTTATAGGTACTTGGGAAGGGCTGGGATTTTGGAGGAAGCGGGTAGCTGCCTT[T>A]GCGACCAGTGGTGAGAGTGGTGAGTGTGAACAGCTCATCTTCATGCAGGCTCAGTGTGAA-3'

ClinVar aggregate classification (germline): Likely pathogenic (1 of 4 stars; one submission).

Conditions:
Galactosylceramide beta-galactosidase deficiency. Also called: GALACTOCEREBROSIDASE DEFICIENCY; GALC DEFICIENCY; GLOBOID CELL LEUKOENCEPHALOPATHY; Leukodystrophy, Globoid Cell; Krabbe Disease. Identifiers: Orphanet 487, MedGen C0023521, MONDO:0009499, OMIM 245200.

Submission:

Myriad Genetics, Inc.
Classification: Likely pathogenic for Galactosylceramide beta-galactosidase deficiency. Last evaluated: 2021-12-17. Review status: criteria provided, single submitter. Criteria: Myriad Women's Health Autosomal Recessive and X-Linked Classification Criteria (2021). Collection method: clinical testing. Allele origin: unknown.
Comment: NM_000153.3(GALC):c.1420A>T(K474*) is expected to be pathogenic in the context of Krabbe disease. This variant is predicted to lead to an abnormal or absent protein product due to the creation of a premature termination codon in GALC, a gene where loss-of-function variants are known to be pathogenic. Please note: this variant was assessed in the context of healthy population screening.